The following is an entry in ClinVar:

ClinVar aggregate classification (germline): Uncertain significance. Review status: criteria provided, multiple submitters, no conflicts (2 of 4 stars). 2 submissions from 2 submitters: Uncertain significance (2). Last evaluated 2025-11-08.

Allele frequency attached by ClinVar (database versions not stated): gnomAD exomes below 0.00001; ExAC 0.00002; gnomAD 0.00002; TOPMed 0.00003; 1000 Genomes Project 30x 0.00016; 1000 Genomes Project 0.00020.
gnomAD v4.1: 7 of 1,614,148 alleles (0.00043%); highest among the groups gnomAD compares: African/African-American, 0.008%; no homozygotes.

Submissions (2):

Labcorp Genetics (formerly Invitae), Labcorp
Classification: Uncertain significance. Last evaluated: 2025-11-08. Review status: criteria provided, single submitter. Criteria: Invitae Variant Classification Sherloc (09022015). Collection method: clinical testing. Allele origin: germline.
Comment: This sequence change replaces phenylalanine, which is neutral and non-polar, with tyrosine, which is neutral and polar, at codon 403 of the MMP9 protein (p.Phe403Tyr). This variant is present in population databases (rs201417784, gnomAD 0.02%). This variant has not been reported in the literature in individuals affected with MMP9-related conditions. ClinVar contains an entry for this variant (Variation ID: 2067320). Invitae Evidence Modeling of protein sequence and biophysical properties (such as structural, functional, and spatial information, amino acid conservation, physicochemical variation, residue mobility, and thermodynamic stability) indicates that this missense variant is expected to disrupt MMP9 protein function with a positive predictive value of 80%. In summary, the available evidence is currently insufficient to determine the role of this variant in disease. Therefore, it has been classified as a Variant of Uncertain Significance.

Ambry Genetics
Classification: Uncertain significance. Last evaluated: 2022-09-06. Review status: criteria provided, single submitter. Criteria: Ambry Variant Classification Scheme 2023. Collection method: clinical testing. Allele origin: germline.

NM_004994.3(MMP9):c.1208T>A (p.Phe403Tyr)

Gene: MMP9 (matrix metallopeptidase 9; plus strand). Cytogenetic location: 20q13.12.
Variant type: single nucleotide variant.
Coding change: c.1208T>A on transcript NM_004994.3 (MANE Select); coding-DNA position 1208, T replaced by A.
Protein change: p.Phe403Tyr; replaces phenylalanine 403 with tyrosine.
Molecular consequence: missense variant.
Genome position (GRCh38, 1-based): chr20:46,012,460, T>A. VCF-style: chr20-46012460-T-A. GRCh37 (hg19) VCF-style: chr20-44641099-T-A.
Other names: short protein forms F403Y.
Identifiers: ClinVar variation 2067320 (VCV002067320.5), dbSNP rs201417784, ClinGen allele CA9886669.